The following is an entry in ClinVar:

NM_001365951.3(KIF1B):c.2817C>A (p.Phe939Leu)

Genes: KIF1B (kinesin family member 1B; plus strand), LOC126805614 (BRD4-independent group 4 enhancer GRCh37_chr1:10385546-10386745; plus strand). Cytogenetic location: 1p36.22.
Variant type: single nucleotide variant.
Coding change: c.2817C>A on transcript NM_001365951.3 (MANE Select); coding-DNA position 2817, C replaced by A.
Protein change: p.Phe939Leu; replaces phenylalanine 939 with leucine.
Molecular consequence: missense variant.
Genome position (GRCh38, 1-based): chr1:10,326,252, C>A. VCF-style: chr1-10326252-C-A. GRCh37 (hg19) VCF-style: chr1-10386310-C-A.
Other names: c.2817C>A, p.Phe939Leu (NM_001365952.1); c.2679C>A, p.Phe893Leu (NM_015074.3); short protein forms F939L, F893L.
Identifiers: ClinVar variation 1794634 (VCV001794634.2), dbSNP rs757816359, ClinGen allele CA338337248.

ClinVar aggregate classification (germline): Uncertain significance (1 of 4 stars; one submission).

Submission:

Ambry Genetics
Classification: Uncertain significance. Last evaluated: 2023-09-27. Review status: criteria provided, single submitter. Criteria: Ambry Variant Classification Scheme 2023. Collection method: clinical testing. Allele origin: germline.
Comment: The p.F893L variant (also known as c.2679C>A), located in coding exon 24 of the KIF1B gene, results from a C to A substitution at nucleotide position 2679. The phenylalanine at codon 893 is replaced by leucine, an amino acid with highly similar properties. This amino acid position is highly conserved in available vertebrate species. In addition, this alteration is predicted to be tolerated by in silico analysis. Since supporting evidence is limited at this time, the clinical significance of this alteration remains unclear.